The following is an entry in ClinVar:

NM_003619.4(PRSS12):c.28C>G (p.Leu10Val)

Gene: PRSS12 (serine protease 12; minus strand). Cytogenetic location: 4q26.
Variant type: single nucleotide variant.
Coding change: c.28C>G on transcript NM_003619.4 (MANE Select); coding-DNA position 28, C replaced by G.
Protein change: p.Leu10Val; replaces leucine 10 with valine.
Molecular consequence: missense variant.
Genome position (GRCh38, 1-based): chr4:118,352,693, G>C on the plus strand (C>G on the coding strand, the complement: PRSS12 is on the minus strand). VCF-style: chr4-118352693-G-C. GRCh37 (hg19) VCF-style: chr4-119273848-G-C.
Other names: short protein forms L10V.
Identifiers: ClinVar variation 445857 (VCV000445857.15), dbSNP rs143520192, ClinGen allele CA3056037.
Genomic context (GRCh38, chr4:118,352,693, plus strand): 5'-GGAGGGAATCATTGAGGACAGAATCAAAGCCGACCACTTCGGGGAGCGCCCCTAACATCA[G>C]GGCTAGCACGAAGCGGGCGAGCGTCATGGTGCCAGCGCTGCGGGGTCTGGTCCATGCTCC-3'
Protein context (NP_003610.2, residues 1-20): MTLARFVLA[Leu10Val]MLGALPEVVG

ClinVar aggregate classification (germline): Benign/Likely benign. Review status: criteria provided, multiple submitters, no conflicts (2 of 4 stars). 5 submissions from 5 submitters: Benign (2); Likely benign (3). Last evaluated 2026-05-01.

Conditions:
Intellectual developmental disorder, autosomal recessive 1. Also called: MENTAL RETARDATION, AUTOSOMAL RECESSIVE 1; Intellectual disability, autosomal recessive 1. Identifiers: Orphanet 88616, MedGen C1855304, MONDO:0009580, OMIM 249500.

Allele frequency attached by ClinVar (database versions not stated): 1000 Genomes Project 30x 0.00281; gnomAD 0.00392 and 0.00361; TOPMed 0.00411; 1000 Genomes Project 0.00200; ESP Exome Variant Server 0.00385.
gnomAD v4.1: 1,015 of 1,613,200 alleles (0.063%); highest among the groups gnomAD compares: African/African-American, 1.2%; 4 homozygotes.

Submissions (5):

CeGaT Center for Human Genetics Tuebingen
Classification: Likely benign. Last evaluated: 2026-05-01. Review status: criteria provided, single submitter. Criteria: CeGaT Center For Human Genetics Tuebingen Variant Classification Criteria Version 2. Collection method: clinical testing. Allele origin: germline. Affected: yes. Observed: 2 variant alleles.
Comment: PRSS12: BP4, BS1

Labcorp Genetics (formerly Invitae), Labcorp
Classification: Benign. Last evaluated: 2019-12-31. Review status: criteria provided, single submitter. Criteria: Invitae Variant Classification Sherloc (09022015). Collection method: clinical testing. Allele origin: germline.

Genetic Services Laboratory, University of Chicago
Classification: Likely benign. Last evaluated: 2018-12-26. Review status: criteria provided, single submitter. Criteria: ACMG Guidelines, 2015. Collection method: clinical testing. Allele origin: germline. Affected: no.

Illumina Laboratory Services, Illumina
Classification: Benign for Intellectual developmental disorder, autosomal recessive 1. Last evaluated: 2018-01-13. Review status: criteria provided, single submitter. Criteria: ICSL Variant Classification Criteria 13 December 2019. Collection method: clinical testing. Allele origin: germline.
Comment: This variant was observed in the ICSL laboratory as part of a predisposition screen in an ostensibly healthy population. It had not been previously curated by ICSL or reported in the Human Gene Mutation Database (HGMD: prior to June 1st, 2018), and was therefore a candidate for classification through an automated scoring system. Utilizing variant allele frequency, disease prevalence and penetrance estimates, and inheritance mode, an automated score was calculated to assess if this variant is too frequent to cause the disease. Based on the score and internal cut-off values, a variant classified as benign is not then subjected to further curation. The score for this variant resulted in a classification of benign for this disease.

Center for Pediatric Genomic Medicine, Children's Mercy Hospital and Clinics
Classification: Likely benign. Last evaluated: 2017-05-03. Review status: criteria provided, single submitter. Criteria: ACMG Guidelines, 2015. Collection method: clinical testing. Allele origin: germline.